The following is an entry in ClinVar:

ClinVar aggregate classification (germline): Uncertain significance (1 of 4 stars; one submission).

Submission:

CeGaT Center for Human Genetics Tuebingen
Classification: Uncertain significance. Last evaluated: 2026-07-01. Review status: criteria provided, single submitter. Criteria: CeGaT Center For Human Genetics Tuebingen Variant Classification Criteria Version 2. Collection method: clinical testing. Allele origin: germline. Affected: yes. Observed: 1 variant allele.
Comment: DARS2: PM2, PM3

NM_018122.5(DARS2):c.-27del

Gene: DARS2 (aspartyl-tRNA synthetase 2, mitochondrial; plus strand). Cytogenetic location: 1q25.1.
Variant type: Deletion.
Coding change: c.-27del on transcript NM_018122.5 (MANE Select); 27 bases upstream of the start codon, one base deleted (T; older notation c.-27delT).
Molecular consequence: 5 prime UTR variant.
Genome position (GRCh38, 1-based): chr1:173,825,203, T deleted; the last of 2 consecutive T bases (chr1:173,825,202-173,825,203); deleting either gives the same sequence. VCF-style (leftmost placement, unchanged base first): chr1-173825201-AT-A. GRCh37 (hg19) VCF-style: chr1-173794339-AT-A.
Other names: c.-27del (NM_001365212.1, NM_001365213.2).
Identifiers: ClinVar variation 5040135 (VCV005040135.1).
Genomic context (GRCh38, chr1:173,825,201, plus strand): 5'-AAGGGATTTCTGTGTATTTCCAAAACTGACTTTTAACTACCGGCAGCGTGGGATTTCGTG[AT>A]TGTTTTTCGCCATCGTGTGGCTCCAACATGTACTTCCCTTCTTGGTTAAGTCAGCTGTAC-3'